The following is an entry in ClinVar:

NM_199420.4(POLQ):c.759T>G (p.Ser253Arg)

Gene: POLQ (DNA polymerase theta; minus strand). Cytogenetic location: 3q13.33.
Variant type: single nucleotide variant.
Coding change: c.759T>G on transcript NM_199420.4 (MANE Select); coding-DNA position 759, T replaced by G.
Protein change: p.Ser253Arg; replaces serine 253 with arginine.
Molecular consequence: missense variant.
Genome position (GRCh38, 1-based): chr3:121,533,191, A>C on the plus strand (T>G on the coding strand, the complement: POLQ is on the minus strand). VCF-style: chr3-121533191-A-C. GRCh37 (hg19) VCF-style: chr3-121252038-A-C.
Other names: short protein forms S253R.
Identifiers: ClinVar variation 1759711 (VCV001759711.2), dbSNP rs777349414, ClinGen allele CA2563724.

ClinVar aggregate classification (germline): Uncertain significance (1 of 4 stars; one submission).

Allele frequency attached by ClinVar (database versions not stated): gnomAD exomes below 0.00001; TOPMed below 0.00001; ExAC 0.00001.
gnomAD v4.1: 2 of 1,598,688 alleles (0.00013%); highest among the groups gnomAD compares: Admixed American, 0.0035%; no homozygotes.

Submission:

Ambry Genetics
Classification: Uncertain significance. Last evaluated: 2022-06-10. Review status: criteria provided, single submitter. Criteria: Ambry Variant Classification Scheme 2023. Collection method: clinical testing. Allele origin: germline.
Comment: The p.S253R variant (also known as c.759T>G), located in coding exon 6 of the POLQ gene, results from a T to G substitution at nucleotide position 759. The serine at codon 253 is replaced by arginine, an amino acid with dissimilar properties. This amino acid position is conserved. In addition, this alteration is predicted to be tolerated by in silico analysis. Since supporting evidence is limited at this time, the clinical significance of this alteration remains unclear.